The following is an entry in ClinVar:

ClinVar aggregate classification (germline): Uncertain significance (1 of 4 stars; one submission).

Allele frequency attached by ClinVar (database versions not stated): TOPMed below 0.00001.

Submission:

Labcorp Genetics (formerly Invitae), Labcorp
Classification: Uncertain significance. Last evaluated: 2022-05-24. Review status: criteria provided, single submitter. Criteria: Invitae Variant Classification Sherloc (09022015). Collection method: clinical testing. Allele origin: germline.
Comment: This sequence change replaces leucine, which is neutral and non-polar, with valine, which is neutral and non-polar, at codon 280 of the LTBP4 protein (p.Leu280Val). This variant is not present in population databases (gnomAD no frequency). This variant has not been reported in the literature in individuals affected with LTBP4-related conditions. Experimental studies and prediction algorithms are not available or were not evaluated, and the functional significance of this variant is currently unknown. In summary, the available evidence is currently insufficient to determine the role of this variant in disease. Therefore, it has been classified as a Variant of Uncertain Significance.

NM_001042545.2(LTBP4):c.748T>G (p.Leu250Val)

Genes: LTBP4 (latent transforming growth factor beta binding protein 4; plus strand), LOC130064475 (ATAC-STARR-seq lymphoblastoid silent region 10639; plus strand). Cytogenetic location: 19q13.2.
Variant type: single nucleotide variant.
Coding change: c.748T>G on transcript NM_001042545.2 (MANE Select); coding-DNA position 748, T replaced by G.
Protein change: p.Leu250Val; replaces leucine 250 with valine.
Molecular consequence: missense variant.
Genome position (GRCh38, 1-based): chr19:40,605,786, T>G. VCF-style: chr19-40605786-T-G. GRCh37 (hg19) VCF-style: chr19-41111692-T-G.
Other names: c.949T>G, p.Leu317Val (NM_001042544.1); c.838T>G, p.Leu280Val (NM_003573.2); short protein forms L250V, L317V, L280V.
Identifiers: ClinVar variation 1928852 (VCV001928852.3), dbSNP rs2081456818, ClinGen allele CA405933979.